The following is an entry in ClinVar:

NC_000009.12:g.134918015G>T

Gene: FCN1 (ficolin 1; minus strand). Cytogenetic location: 9q34.3.
Variant type: single nucleotide variant.
Genome position: GRCh38 VCF-style: chr9-134918015-G-T. GRCh37 (hg19) VCF-style: chr9-137809861-G-T.
Identifiers: ClinVar variation 1252732 (VCV001252732.4), dbSNP rs10117466, ClinGen allele CA12975305.
Genomic context (GRCh38, chr9:134,918,015, plus strand): 5'-AACTCCCTGGGGGACACCCACTTCCTATGGGCTGCTTAGTTGCACCAACAGGAGGTATGA[G>T]GTCATCTCAAAGGATGTTTCCTTCCACTAGGCTCCAGCAAGATGCCCACCCCATTGGGCT-3'

ClinVar aggregate classification (germline): Benign. Review status: criteria provided, multiple submitters, no conflicts (2 of 4 stars). 2 submissions from 2 submitters: Benign (2). Last evaluated 2019-08-22.

Allele frequency attached by ClinVar (database versions not stated): 1000 Genomes Project 0.15475; 1000 Genomes Project 30x 0.15662; TOPMed 0.23458; gnomAD 0.24814 and 0.25408.

Submissions (2):

GeneDx
Classification: Benign. Last evaluated: 2019-08-22. Review status: criteria provided, single submitter. Criteria: GeneDx Variant Classification Process June 2021. Collection method: clinical testing. Allele origin: germline. Affected: yes.
Comment: This variant is associated with the following publications: (PMID: 22673311, 23209787)

Breakthrough Genomics
Classification: Benign. Review status: criteria provided, single submitter. Criteria: ACMG Guidelines, 2015. Collection method: not provided. Allele origin: germline. Inheritance: Unknown mechanism. Affected: yes.